The following is an entry in ClinVar:

NM_001267550.2(TTN):c.12387G>C (p.Arg4129Ser)

Gene: TTN (titin; minus strand). Cytogenetic location: 2q31.2.
Variant type: single nucleotide variant.
Coding change: c.12387G>C on transcript NM_001267550.2 (MANE Select); coding-DNA position 12387, G replaced by C.
Protein change: p.Arg4129Ser; replaces arginine 4129 with serine.
Molecular consequence: missense variant.
Genome position (GRCh38, 1-based): chr2:178,740,846, C>G on the plus strand (G>C on the coding strand, the complement: TTN is on the minus strand). VCF-style: chr2-178740846-C-G. GRCh37 (hg19) VCF-style: chr2-179605573-C-G.
Other names: c.11436G>C, p.Arg3812Ser (NM_001256850.1); c.11298G>C, p.Arg3766Ser (NM_003319.4); c.11673G>C, p.Arg3891Ser (NM_133432.3); c.11874G>C, p.Arg3958Ser (NM_133437.4); c.10361-2486G>C (NM_133378.4); short protein forms R4129S, R3812S, R3958S, R3766S, R3891S.
Identifiers: ClinVar variation 192038 (VCV000192038.1), dbSNP rs199546417, ClinGen allele CA238161.
Genomic context (GRCh38, chr2:178,740,846, plus strand): 5'-GTTGGGAGATGGTTCCTTGAGAGGCTGAAAGTGAATACTGCCATTGATGCAAAGAAATTC[C>G]CTGGTGCTTTCAGGAGTGAGCTTGTCTTGCTCCAAAATGGATTGCAATTCCTGAGCTCCC-3'
Protein context (NP_001254479.2, residues 4119-4139): EQDKLTPEST[Arg4129Ser]EFLCINGSIH

ClinVar aggregate classification (germline): Uncertain significance (1 of 4 stars; one submission).

gnomAD v4.1: 3 of 1,613,794 alleles (0.00019%); highest among the groups gnomAD compares: Non-Finnish European, 0.00025%; no homozygotes.

Submission:

Biesecker Lab/Clinical Genomics Section, National Institutes of Health
Classification: Uncertain significance. Last evaluated: 2013-06-24. Review status: criteria provided, single submitter. Criteria: Ng et al. (Circ Cardiovasc Genet. 2013). Collection method: research. Allele origin: unknown. Observed: 1 variant allele. Study: ClinSeq.
Comment: The study set was not selected for affection status in relation to any cancer. Pathogenicity categories were based on literature curation. See Pubmed ID:23861362 for details.

Medical sequencing